The following is an entry in ClinVar:

NM_000404.4(GLB1):c.1585C>T (p.His529Tyr)

Gene: GLB1 (galactosidase beta 1; minus strand). Cytogenetic location: 3p22.3.
Variant type: single nucleotide variant.
Coding change: c.1585C>T on transcript NM_000404.4 (MANE Select); coding-DNA position 1585, C replaced by T.
Protein change: p.His529Tyr; replaces histidine 529 with tyrosine.
Molecular consequence: missense variant.
Genome position (GRCh38, 1-based): chr3:33,014,205, G>A on the plus strand (C>T on the coding strand, the complement: GLB1 is on the minus strand). VCF-style: chr3-33014205-G-A. GRCh37 (hg19) VCF-style: chr3-33055697-G-A.
Other names: c.1495C>T, p.His499Tyr (NM_001079811.3); c.1192C>T, p.His398Tyr (NM_001135602.3); c.1729C>T, p.His577Tyr (NM_001317040.2); c.1585C>T, p.His529Tyr (NM_001393580.1); short protein forms H577Y, H499Y, H398Y, H529Y.
Identifiers: ClinVar variation 2174616 (VCV002174616.4), dbSNP rs2471248584, ClinGen allele CA351986041.

ClinVar aggregate classification (germline): Uncertain significance (1 of 4 stars; one submission).

Conditions:
Mucopolysaccharidosis, MPS-IV-B (MPS4B). Also called: Mucopolysaccharidosis type IV B; Mucopolysaccharidosis Type IVB; Mucopolysaccharidosis type IVB (Morquio); MPS IVB; MORQUIO SYNDROME B; Mucopolysaccharidosis Type IVB (Morquio B Disease). Identifiers: Orphanet 309310, Orphanet 582, MedGen C0086652, MONDO:0009660, OMIM 253010.
GM1 gangliosidosis. Identifiers: Orphanet 354, MedGen C0085131, MONDO:0018149.

Allele frequency attached by ClinVar (database versions not stated): gnomAD exomes 0.00001.
gnomAD v4.1: 14 of 1,614,160 alleles (0.00087%); highest among the groups gnomAD compares: African/African-American, 0.0013%; no homozygotes.

Submission:

Labcorp Genetics (formerly Invitae), Labcorp
Classification: Uncertain significance for Mucopolysaccharidosis, MPS-IV-B; GM1 gangliosidosis. Last evaluated: 2023-10-02. Review status: criteria provided, single submitter. Criteria: Invitae Variant Classification Sherloc (09022015). Collection method: clinical testing. Allele origin: germline.
Comment: This sequence change replaces histidine, which is basic and polar, with tyrosine, which is neutral and polar, at codon 529 of the GLB1 protein (p.His529Tyr). This variant is not present in population databases (gnomAD no frequency). This variant has not been reported in the literature in individuals affected with GLB1-related conditions. ClinVar contains an entry for this variant (Variation ID: 2174616). Advanced modeling of protein sequence and biophysical properties (such as structural, functional, and spatial information, amino acid conservation, physicochemical variation, residue mobility, and thermodynamic stability) performed at Invitae indicates that this missense variant is not expected to disrupt GLB1 protein function. In summary, the available evidence is currently insufficient to determine the role of this variant in disease. Therefore, it has been classified as a Variant of Uncertain Significance.